The following is an entry in ClinVar:

ClinVar aggregate classification (germline): Uncertain significance (1 of 4 stars; one submission).

Conditions:
Hereditary nonpolyposis colorectal neoplasms. Identifiers: MedGen C0009405, MeSH D003123.

Submission:

Labcorp Genetics (formerly Invitae), Labcorp
Classification: Uncertain significance for Hereditary nonpolyposis colorectal neoplasms. Last evaluated: 2024-06-25. Review status: criteria provided, single submitter. Criteria: Invitae Variant Classification Sherloc (09022015). Collection method: clinical testing. Allele origin: germline.
Comment: This sequence change replaces methionine, which is neutral and non-polar, with isoleucine, which is neutral and non-polar, at codon 733 of the MSH6 protein (p.Met733Ile). This variant is not present in population databases (gnomAD no frequency). This variant has not been reported in the literature in individuals affected with MSH6-related conditions. ClinVar contains an entry for this variant (Variation ID: 1350955). Advanced modeling of protein sequence and biophysical properties (such as structural, functional, and spatial information, amino acid conservation, physicochemical variation, residue mobility, and thermodynamic stability) has been performed at Invitae for this missense variant, however the output from this modeling did not meet the statistical confidence thresholds required to predict the impact of this variant on MSH6 protein function. In summary, the available evidence is currently insufficient to determine the role of this variant in disease. Therefore, it has been classified as a Variant of Uncertain Significance.

NM_000179.3(MSH6):c.2199G>A (p.Met733Ile)

Gene: MSH6 (mutS homolog 6; plus strand). Cytogenetic location: 2p16.3.
Variant type: single nucleotide variant.
Coding change: c.2199G>A on transcript NM_000179.3 (MANE Select); coding-DNA position 2199, G replaced by A.
Protein change: p.Met733Ile; replaces methionine 733 with isoleucine.
Molecular consequence: missense variant.
Genome position (GRCh38, 1-based): chr2:47,800,182, G>A. VCF-style: chr2-47800182-G-A. GRCh37 (hg19) VCF-style: chr2-48027321-G-A.
Other names: c.1809G>A, p.Met603Ile (NM_001281492.2); c.1293G>A, p.Met431Ile (NM_001281493.2, NM_001281494.2); short protein forms M431I, M733I, M603I.
Identifiers: ClinVar variation 1350955 (VCV001350955.8), dbSNP rs1359474814, ClinGen allele CA346751350.
Genomic context (GRCh38, chr2:47,800,182, plus strand): 5'-TTCTGACACAGTCAGCACTACAAGATCTGGTGCTATCTTCACCAAAGCCTATCAACGAAT[G>A]GTGCTAGATGCAGTGACATTAAACAACTTGGAGATTTTTCTGAATGGAACAAATGGTTCT-3'
Protein context (NP_000170.1, residues 723-743): GAIFTKAYQR[Met733Ile]VLDAVTLNNL